The following is an entry in ClinVar:

NM_006939.4(SOS2):c.2672T>A (p.Leu891Gln)

Gene: SOS2 (SOS Ras/Rho guanine nucleotide exchange factor 2; minus strand). Cytogenetic location: 14q21.3.
Variant type: single nucleotide variant.
Coding change: c.2672T>A on transcript NM_006939.4 (MANE Select); coding-DNA position 2672, T replaced by A.
Protein change: p.Leu891Gln; replaces leucine 891 with glutamine.
Molecular consequence: missense variant.
Genome position (GRCh38, 1-based): chr14:50,140,055, A>T on the plus strand (T>A on the coding strand, the complement: SOS2 is on the minus strand). VCF-style: chr14-50140055-A-T. GRCh37 (hg19) VCF-style: chr14-50606773-A-T.
Other names: c.2573T>A, p.Leu858Gln (NM_001411020.1); short protein forms L858Q, L891Q.
Identifiers: ClinVar variation 2194629 (VCV002194629.4), dbSNP rs1416275021, ClinGen allele CA389642858.

ClinVar aggregate classification (germline): Uncertain significance (1 of 4 stars; one submission).

Conditions:
Noonan syndrome 9 (NS9). Identifiers: Orphanet 648, MedGen C4225282, MONDO:0014691, OMIM 616559.

Allele frequency attached by ClinVar (database versions not stated): gnomAD 0.00001; gnomAD exomes 0.00001; TOPMed 0.00001.
gnomAD v4.1: 17 of 1,412,730 alleles (0.0012%); highest among the groups gnomAD compares: Non-Finnish European, 0.0017%; no homozygotes.

Submission:

Labcorp Genetics (formerly Invitae), Labcorp
Classification: Uncertain significance for Noonan syndrome 9. Last evaluated: 2022-05-18. Review status: criteria provided, single submitter. Criteria: Invitae Variant Classification Sherloc (09022015). Collection method: clinical testing. Allele origin: germline.
Comment: This sequence change replaces leucine, which is neutral and non-polar, with glutamine, which is neutral and polar, at codon 891 of the SOS2 protein (p.Leu891Gln). This variant is not present in population databases (gnomAD no frequency). This variant has not been reported in the literature in individuals affected with SOS2-related conditions. Algorithms developed to predict the effect of missense changes on protein structure and function are either unavailable or do not agree on the potential impact of this missense change (SIFT: "Deleterious"; PolyPhen-2: "Probably Damaging"; Align-GVGD: "Class C0"). In summary, the available evidence is currently insufficient to determine the role of this variant in disease. Therefore, it has been classified as a Variant of Uncertain Significance.